The following is an entry in ClinVar:

NM_021008.4(DEAF1):c.56_79del (p.Val19_Ala26del)

Gene: DEAF1 (DEAF1 transcription factor; minus strand). Cytogenetic location: 11p15.5.
Variant type: Deletion.
Coding change: c.56_79del on transcript NM_021008.4 (MANE Select); coding-DNA positions 56 to 79, 24 bases deleted (TGGCGGCCGCGGCCGCTGTGGCGG).
Protein change: p.Val19_Ala26del.
Molecular consequence: inframe deletion. On other transcripts: inframe indel (1), intron variant (1).
Genome position (GRCh38, 1-based): chr11:694,969-694,992, CCGCCACAGCGGCCGCGGCCGCCA deleted on the plus strand (TGGCGGCCGCGGCCGCTGTGGCGG on the coding strand, the reverse complement: DEAF1 is on the minus strand); deleting any 24 consecutive bases within chr11:694,969-694,997 gives the same sequence; the c. name uses the placement nearest the transcript's 3' end. VCF-style (leftmost placement, unchanged base first): chr11-694968-GCCGCCACAGCGGCCGCGGCCGCCA-G. GRCh37 (hg19) VCF-style: chr11-694968-GCCGCCACAGCGGCCGCGGCCGCCA-G.
Other names: c.51_74del24, p.Val19_Ala26del (NM_001293634.2); c.-437-3394_-437-3371del (NM_001367390.1); c.56_79del24 (NM_021008.3).
Identifiers: ClinVar variation 3388813 (VCV003388813.15).

ClinVar aggregate classification (germline): Likely benign. Review status: criteria provided, multiple submitters, no conflicts (2 of 4 stars). 2 submissions from 2 submitters: Likely benign (2). Last evaluated 2025-04-21.

Conditions:
DEAF1-related disorder.

Submissions (2):

PreventionGenetics, part of Exact Sciences
Classification: Likely benign for DEAF1-related condition. Last evaluated: 2025-04-21. Review status: criteria provided, single submitter. Criteria: ACMG Guidelines, 2015. Collection method: clinical testing. Allele origin: germline.
Comment: This variant is classified as likely benign based on ACMG/AMP sequence variant interpretation guidelines (Richards et al. 2015 PMID: 25741868, with internal and published modifications).

CeGaT Center for Human Genetics Tuebingen
Classification: Likely benign. Last evaluated: 2024-11-01. Review status: criteria provided, single submitter. Criteria: CeGaT Center For Human Genetics Tuebingen Variant Classification Criteria Version 2. Collection method: clinical testing. Allele origin: germline. Affected: yes. Observed: 1 variant allele.
Comment: DEAF1: BP3